The following is an entry in ClinVar:

ClinVar aggregate classification (germline): Uncertain significance (1 of 4 stars; one submission).

Submission:

Labcorp Genetics (formerly Invitae), Labcorp
Classification: Uncertain significance. Last evaluated: 2022-08-09. Review status: criteria provided, single submitter. Criteria: Invitae Variant Classification Sherloc (09022015). Collection method: clinical testing. Allele origin: germline.
Comment: This variant is not present in population databases (gnomAD no frequency). This sequence change replaces proline, which is neutral and non-polar, with leucine, which is neutral and non-polar, at codon 873 of the ZNF335 protein (p.Pro873Leu). This variant has not been reported in the literature in individuals affected with ZNF335-related conditions. In summary, the available evidence is currently insufficient to determine the role of this variant in disease. Therefore, it has been classified as a Variant of Uncertain Significance. Algorithms developed to predict the effect of missense changes on protein structure and function are either unavailable or do not agree on the potential impact of this missense change (SIFT: "Deleterious"; PolyPhen-2: "Benign"; Align-GVGD: "Class C0"). ClinVar contains an entry for this variant (Variation ID: 1349523).

NM_022095.4(ZNF335):c.2618C>T (p.Pro873Leu)

Gene: ZNF335 (zinc finger protein 335; minus strand). Cytogenetic location: 20q13.12.
Variant type: single nucleotide variant.
Coding change: c.2618C>T on transcript NM_022095.4 (MANE Select); coding-DNA position 2618, C replaced by T.
Protein change: p.Pro873Leu; replaces proline 873 with leucine.
Molecular consequence: missense variant.
Genome position (GRCh38, 1-based): chr20:45,953,773, G>A on the plus strand (C>T on the coding strand, the complement: ZNF335 is on the minus strand). VCF-style: chr20-45953773-G-A. GRCh37 (hg19) VCF-style: chr20-44582412-G-A.
Other names: short protein forms P873L.
Identifiers: ClinVar variation 1349523 (VCV001349523.8), dbSNP rs2145364425, ClinGen allele CA409240465.